The following is an entry in ClinVar:

ClinVar aggregate classification (germline): Conflicting classifications of pathogenicity. Review status: criteria provided, conflicting classifications (1 of 4 stars). 3 submissions from 3 submitters: Uncertain significance (2); Likely benign (1). Last evaluated 2025-01-25.

Conditions:
Hereditary cancer-predisposing syndrome. Also called: Tumor predisposition; Hereditary neoplastic syndrome; Neoplastic Syndromes, Hereditary; Hereditary Cancer Syndrome. Identifiers: Orphanet 140162, MedGen C0027672, MeSH D009386, MONDO:0015356.
Hereditary breast ovarian cancer syndrome. Also called: Breast and ovarian cancer; BRCA1- and BRCA2-Associated Hereditary Breast and Ovarian Cancer; Hereditary breast and ovarian cancer; Hereditary breast and ovarian cancer syndrome (HBOC); Hereditary breast and/or ovarian cancer syndrome; Hereditary breast and ovarian cancer syndrome. Identifiers: Orphanet 145, MedGen C0677776, MeSH D061325, MONDO:0003582. Disease mechanism: loss of function.

Submissions (3):

Ambry Genetics
Classification: Uncertain significance for Hereditary cancer-predisposing syndrome. Last evaluated: 2025-01-25. Review status: criteria provided, single submitter. Criteria: Ambry Variant Classification Scheme 2023. Collection method: clinical testing. Allele origin: germline.
Comment: The p.L857M variant (also known as c.2569T>A), located in coding exon 9 of the BRCA1 gene, results from a T to A substitution at nucleotide position 2569. The leucine at codon 857 is replaced by methionine, an amino acid with highly similar properties. This amino acid position is conserved. In addition, the in silico prediction for this alteration is inconclusive. Based on the available evidence, the clinical significance of this variant remains unclear.

University of Washington Department of Laboratory Medicine, University of Washington
Classification: Likely benign for Hereditary cancer-predisposing syndrome. Last evaluated: 2023-03-23. Review status: criteria provided, single submitter. Criteria: Dines et al. (Genet Med. 2020). Collection method: curation. Allele origin: germline.
Comment: Missense variant in a coldspot region where missense variants are very unlikely to be pathogenic (PMID:31911673).

BRCA1 coldspot (exon 11 using historical exon numbering). Reclassification based on statistical prior probability

Labcorp Genetics (formerly Invitae), Labcorp
Classification: Uncertain significance for Hereditary breast ovarian cancer syndrome. Last evaluated: 2019-05-27. Review status: criteria provided, single submitter. Criteria: Invitae Variant Classification Sherloc (09022015). Collection method: clinical testing. Allele origin: germline.
Comment: This variant is not present in population databases (ExAC no frequency). This variant has not been reported in the literature in individuals with BRCA1-related conditions. Algorithms developed to predict the effect of missense changes on protein structure and function are either unavailable or do not agree on the potential impact of this missense change (SIFT: "Tolerated"; PolyPhen-2: "Probably Damaging"; Align-GVGD: "Class C0"). In summary, the available evidence is currently insufficient to determine the role of this variant in disease. Therefore, it has been classified as a Variant of Uncertain Significance. This sequence change replaces leucine with methionine at codon 857 of the BRCA1 protein (p.Leu857Met). The leucine residue is highly conserved and there is a small physicochemical difference between leucine and methionine.

NM_007294.4(BRCA1):c.2569T>A (p.Leu857Met)

Gene: BRCA1 (BRCA1 DNA repair associated; minus strand). Cytogenetic location: 17q21.31.
Variant type: single nucleotide variant.
Coding change: c.2569T>A on transcript NM_007294.4 (MANE Select); coding-DNA position 2569, T replaced by A.
Protein change: p.Leu857Met; replaces leucine 857 with methionine.
Molecular consequence: missense variant. On other transcripts: intron variant (137).
Genome position (GRCh38, 1-based): chr17:43,092,962, A>T on the plus strand (T>A on the coding strand, the complement: BRCA1 is on the minus strand). VCF-style: chr17-43092962-A-T. GRCh37 (hg19) VCF-style: chr17-41244979-A-T.
Other names: c.2356T>A, p.Leu786Met (NM_001407571.1, NM_001407853.1, NM_001407894.1 and 9 more transcripts); c.2569T>A, p.Leu857Met (NM_001407581.1, NM_001407582.1, NM_001407583.1 and 30 more transcripts); c.2566T>A, p.Leu856Met (NM_001407587.1, NM_001407590.1, NM_001407591.1 and 22 more transcripts); c.2560T>A, p.Leu854Met (NM_001407646.1, NM_001407647.1); c.2446T>A, p.Leu816Met (NM_001407648.1, NM_001407664.1, NM_001407665.1 and 19 more transcripts); c.2443T>A, p.Leu815Met (NM_001407649.1, NM_001407670.1, NM_001407671.1 and 11 more transcripts); c.2491T>A, p.Leu831Met (NM_001407653.1, NM_001407654.1, NM_001407655.1 and 4 more transcripts); c.2488T>A, p.Leu830Met (NM_001407659.1, NM_001407660.1, NM_001407661.1 and 1 more transcripts); and 41 more; short protein forms L810M, L857M, L561M, L729M, L730M, L790M, L809M, L830M.
Identifiers: ClinVar variation 857724 (VCV000857724.14), dbSNP rs779895958, ClinGen allele CA10596856.